The following is an entry in ClinVar:

ClinVar aggregate classification (germline): Likely benign. Review status: criteria provided, multiple submitters, no conflicts (2 of 4 stars). 5 submissions from 5 submitters: Likely benign (3). 2 of the submissions do not count toward it. Last evaluated 2026-01-26.

Conditions:
ARSA-related disorder. Also called: ARSA-related condition.
Metachromatic leukodystrophy (MLD). Also called: ARSA DEFICIENCY; CEREBROSIDE SULFATASE DEFICIENCY; Arylsulfatase A Deficiency; METACHROMATIC LEUKOENCEPHALOPATHY; Cerebral sclerosis diffuse metachromatic form; SULFATIDE LIPIDOSIS. Identifiers: Orphanet 512, MedGen C0023522, MONDO:0018868, OMIM 250100.

Allele frequency attached by ClinVar (database versions not stated): ExAC 0.00001; gnomAD 0.00003; TOPMed 0.00003.
gnomAD v4.1: 23 of 1,611,684 alleles (0.0014%); highest among the groups gnomAD compares: African/African-American, 0.021%; no homozygotes.

Submissions (5):

Labcorp Genetics (formerly Invitae), Labcorp
Classification: Likely benign for Metachromatic leukodystrophy. Last evaluated: 2026-01-26. Review status: criteria provided, single submitter. Criteria: Invitae Variant Classification Sherloc (09022015). Collection method: clinical testing. Allele origin: germline.

Mayo Clinic Laboratories, Mayo Clinic
Classification: Likely benign. Last evaluated: 2024-11-18. Review status: criteria provided, single submitter. Criteria: ACMG Guidelines, 2015. Collection method: clinical testing. Allele origin: germline. Observed: 1 variant allele.
Comment: BP4, BP7

Blueprint Genetics
Classification: Likely benign. Last evaluated: 2024-07-11. Review status: criteria provided, single submitter. Criteria: ACMG Guidelines, 2015. Collection method: clinical testing. Allele origin: germline.

Natera, Inc.
Classification: Likely benign for Metachromatic leukodystrophy. Last evaluated: 2020-04-30. Review status: no assertion criteria provided. Collection method: clinical testing. Allele origin: germline. Not counted in ClinVar's aggregate classification.

PreventionGenetics, part of Exact Sciences
Classification: Likely benign for ARSA-related condition. Last evaluated: 2019-03-14. Review status: no assertion criteria provided. Collection method: clinical testing. Allele origin: germline. Not counted in ClinVar's aggregate classification.
Comment: This variant is classified as likely benign based on ACMG/AMP sequence variant interpretation guidelines (Richards et al. 2015 PMID: 25741868, with internal and published modifications).

NM_000487.6(ARSA):c.1332G>T (p.Leu444=)

Gene: ARSA (arylsulfatase A; minus strand). Cytogenetic location: 22q13.33.
Variant type: single nucleotide variant.
Coding change: c.1332G>T on transcript NM_000487.6 (MANE Select); coding-DNA position 1332, G replaced by T.
Protein change: p.Leu444=; no amino-acid change (leucine 444 retained).
Molecular consequence: synonymous variant.
Genome position (GRCh38, 1-based): chr22:50,625,343, C>A on the plus strand (G>T on the coding strand, the complement: ARSA is on the minus strand). VCF-style: chr22-50625343-C-A. GRCh37 (hg19) VCF-style: chr22-51063771-C-A.
Other names: p.Leu444=; c.1332G>T, p.Leu444= (NM_001085425.3, NM_001085426.3, NM_001085427.3); c.1074G>T, p.Leu358= (NM_001085428.3, NM_001362782.2).
Identifiers: ClinVar variation 715154 (VCV000715154.15), dbSNP rs540031338, ClinGen allele CA10324745.